The following is an entry in ClinVar:

NM_014795.4(ZEB2):c.821C>T (p.Thr274Ile)

Gene: ZEB2 (zinc finger E-box binding homeobox 2; minus strand). Cytogenetic location: 2q22.3.
Variant type: single nucleotide variant.
Coding change: c.821C>T on transcript NM_014795.4 (MANE Select); coding-DNA position 821, C replaced by T.
Protein change: p.Thr274Ile; replaces threonine 274 with isoleucine.
Molecular consequence: missense variant.
Genome position (GRCh38, 1-based): chr2:144,401,294, G>A on the plus strand (C>T on the coding strand, the complement: ZEB2 is on the minus strand). VCF-style: chr2-144401294-G-A. GRCh37 (hg19) VCF-style: chr2-145158861-G-A.
Other names: c.749C>T, p.Thr250Ile (NM_001171653.2); short protein forms T250I, T274I.
Identifiers: ClinVar variation 2879375 (VCV002879375.3), dbSNP rs1443908916, ClinGen allele CA348713663.

ClinVar aggregate classification (germline): Uncertain significance (1 of 4 stars; one submission).

Conditions:
Mowat-Wilson syndrome (MOWS). Also called: Classic Mowat-Wilson Syndrome. Identifiers: Orphanet 2152, MedGen C1856113, MONDO:0009341, OMIM 235730.

Allele frequency attached by ClinVar (database versions not stated): TOPMed below 0.00001; gnomAD 0.00001.
gnomAD v4.1: 1 of 1,613,954 alleles (0.000062%); highest among the groups gnomAD compares: Non-Finnish European, 0.000085%; no homozygotes.

Submission:

Labcorp Genetics (formerly Invitae), Labcorp
Classification: Uncertain significance for Mowat-Wilson syndrome. Last evaluated: 2023-12-25. Review status: criteria provided, single submitter. Criteria: Invitae Variant Classification Sherloc (09022015). Collection method: clinical testing. Allele origin: germline.
Comment: This sequence change replaces threonine, which is neutral and polar, with isoleucine, which is neutral and non-polar, at codon 274 of the ZEB2 protein (p.Thr274Ile). This variant is not present in population databases (gnomAD no frequency). This variant has not been reported in the literature in individuals affected with ZEB2-related conditions. Advanced modeling of protein sequence and biophysical properties (such as structural, functional, and spatial information, amino acid conservation, physicochemical variation, residue mobility, and thermodynamic stability) performed at Invitae indicates that this missense variant is expected to disrupt ZEB2 protein function with a positive predictive value of 80%. In summary, the available evidence is currently insufficient to determine the role of this variant in disease. Therefore, it has been classified as a Variant of Uncertain Significance.